The following is an entry in ClinVar:

ClinVar aggregate classification (germline): Likely pathogenic (1 of 4 stars; one submission).

Conditions:
COACH syndrome 3. Identifiers: MedGen C5436841, MONDO:0030862, OMIM 619113.
Joubert syndrome 7 (JBTS7). Identifiers: Orphanet 220497, MedGen C1969053, MONDO:0012694, OMIM 611560.
Meckel syndrome, type 5 (MKS5). Identifiers: Orphanet 564, MedGen C1969052, MONDO:0012695, OMIM 611561.

Submission:

Juno Genomics, Hangzhou Juno Genomics, Inc
Classification: Likely pathogenic for COACH syndrome 3; Joubert syndrome 7; Meckel syndrome, type 5. Review status: criteria provided, single submitter. Criteria: ACMG Guidelines, 2015. Collection method: clinical testing. Allele origin: germline.
Comment: Null variant in a gene where loss of function (LOF) is a known mechanism of disease.;Absent from controls (or at extremely low frequency if recessive) in Genome Aggregation Database.

NM_015272.5(RPGRIP1L):c.2267_2268del (p.Ile756fs)

Gene: RPGRIP1L (RPGRIP1 like; minus strand). Cytogenetic location: 16q12.2.
Variant type: Microsatellite.
Coding change: c.2267_2268del on transcript NM_015272.5 (MANE Select); coding-DNA positions 2267 to 2268, 2 bases deleted (TA; older notation c.2267_2268delTA).
Protein change: p.Ile756fs; shifts the reading frame from isoleucine 756.
Molecular consequence: frameshift variant.
Genome position (GRCh38, 1-based): chr16:53,649,000-53,649,001, TA deleted on the plus strand (TA on the coding strand, the reverse complement: RPGRIP1L is on the minus strand); deleting any 2 consecutive bases within chr16:53,649,000-53,649,005 gives the same sequence; the c. name uses the placement nearest the transcript's 3' end. VCF-style (leftmost placement, unchanged base first): chr16-53648999-TTA-T. GRCh37 (hg19) VCF-style: chr16-53682911-TTA-T.
Other names: c.2267_2268del, p.Ile756fs (NM_001127897.4, NM_001308334.3, NM_001330538.2); short protein forms I756fs.
Identifiers: ClinVar variation 5005596 (VCV005005596.2).